The following is an entry in ClinVar:

ClinVar aggregate classification (germline): Benign. Review status: criteria provided, multiple submitters, no conflicts (2 of 4 stars). 2 submissions from 2 submitters: Benign (2). Last evaluated 2018-06-16.

Allele frequency attached by ClinVar (database versions not stated): gnomAD exomes 0.05261; 1000 Genomes Project 0.06470; 1000 Genomes Project 30x 0.06855; gnomAD 0.07512 and 0.07849; TOPMed 0.08098; ESP Exome Variant Server 0.08191.
gnomAD v4.1: 63,134 of 1,128,848 alleles (5.6%); highest among the groups gnomAD compares: African/African-American, 14%; 2,188 homozygotes.

Submissions (2):

GeneDx
Classification: Benign. Last evaluated: 2018-06-16. Review status: criteria provided, single submitter. Criteria: GeneDx Variant Classification (06012015). Collection method: clinical testing. Allele origin: germline. Affected: yes.
Comment: This variant is considered likely benign or benign based on one or more of the following criteria: it is a conservative change, it occurs at a poorly conserved position in the protein, it is predicted to be benign by multiple in silico algorithms, and/or has population frequency not consistent with disease.

Breakthrough Genomics
Classification: Benign. Review status: criteria provided, single submitter. Criteria: ACMG Guidelines, 2015. Collection method: not provided. Allele origin: germline. Inheritance: Autosomal recessive inheritance. Affected: yes.

NM_015662.3(IFT172):c.39+74G>A

Gene: IFT172 (intraflagellar transport 172; minus strand). Cytogenetic location: 2p23.3.
Variant type: single nucleotide variant.
Coding change: c.39+74G>A on transcript NM_015662.3 (MANE Select); 74 bases into the intron after coding-DNA position 39, G replaced by A.
Molecular consequence: intron variant.
Genome position (GRCh38, 1-based): chr2:27,489,541, C>T on the plus strand (G>A on the coding strand, the complement: IFT172 is on the minus strand). VCF-style: chr2-27489541-C-T. GRCh37 (hg19) VCF-style: chr2-27712408-C-T.
Identifiers: ClinVar variation 675098 (VCV000675098.2), dbSNP rs7583698, ClinGen allele CA11286119.
Genomic context (GRCh38, chr2:27,489,541, plus strand): 5'-CAAGATCCAGATCATCGCTATATCCCTTACAGCCTTCTGCACACAGTAGGAGGTCAACAT[C>T]ATTAAACTTCAGTTCCCCCACTTTTCTTGGAACATAAAGCATAAGGGGGAGGGACTGGCA-3'